The following is an entry in ClinVar:

NM_000352.6(ABCC8):c.2605C>G (p.Gln869Glu)

Gene: ABCC8 (ATP binding cassette subfamily C member 8; minus strand). Cytogenetic location: 11p15.1.
Variant type: single nucleotide variant.
Coding change: c.2605C>G on transcript NM_000352.6 (MANE Select); coding-DNA position 2605, C replaced by G.
Protein change: p.Gln869Glu; replaces glutamine 869 with glutamic acid.
Molecular consequence: missense variant. On other transcripts: non-coding transcript variant (1).
Genome position (GRCh38, 1-based): chr11:17,410,605, G>C on the plus strand (C>G on the coding strand, the complement: ABCC8 is on the minus strand). VCF-style: chr11-17410605-G-C. GRCh37 (hg19) VCF-style: chr11-17432152-G-C.
Other names: c.2608C>G, p.Gln870Glu (NM_001287174.3); c.2671C>G, p.Gln891Glu (NM_001351295.2); c.2605C>G, p.Gln869Glu (NM_001351296.2); c.2602C>G, p.Gln868Glu (NM_001351297.2); short protein forms Q868E, Q869E, Q891E, Q870E.
Identifiers: ClinVar variation 3684555 (VCV003684555.2).

ClinVar aggregate classification (germline): Uncertain significance (1 of 4 stars; one submission).

Submission:

Labcorp Genetics (formerly Invitae), Labcorp
Classification: Uncertain significance. Last evaluated: 2024-09-01. Review status: criteria provided, single submitter. Criteria: Invitae Variant Classification Sherloc (09022015). Collection method: clinical testing. Allele origin: germline.
Comment: This sequence change replaces glutamine, which is neutral and polar, with glutamic acid, which is acidic and polar, at codon 869 of the ABCC8 protein (p.Gln869Glu). This variant is not present in population databases (gnomAD no frequency). This variant has not been reported in the literature in individuals affected with ABCC8-related conditions. Invitae Evidence Modeling of protein sequence and biophysical properties (such as structural, functional, and spatial information, amino acid conservation, physicochemical variation, residue mobility, and thermodynamic stability) indicates that this missense variant is not expected to disrupt ABCC8 protein function with a negative predictive value of 95%. In summary, the available evidence is currently insufficient to determine the role of this variant in disease. Therefore, it has been classified as a Variant of Uncertain Significance.